The following is an entry in ClinVar:

ClinVar aggregate classification (germline): Uncertain significance. Review status: criteria provided, multiple submitters, no conflicts (2 of 4 stars). 2 submissions from 2 submitters: Uncertain significance (2). Last evaluated 2024-08-20.

Conditions:
Retinal dystrophy. Also called: Inherited retinal dystrophy. Identifiers: Orphanet 71862, MedGen C0854723, MeSH D058499, MONDO:0019118, HP:0000556.

gnomAD v4.1: 21 of 1,613,810 alleles (0.0013%); highest among the groups gnomAD compares: East Asian, 0.045%; no homozygotes.

Submissions (2):

GeneDx
Classification: Uncertain significance. Last evaluated: 2024-08-20. Review status: criteria provided, single submitter. Criteria: GeneDx Variant Classification Process June 2021. Collection method: clinical testing. Allele origin: germline. Affected: yes.
Comment: Not observed at significant frequency in large population cohorts (gnomAD); In silico analysis indicates that this missense variant does not alter protein structure/function; Has not been previously published as pathogenic or benign to our knowledge; In silico analysis suggests this variant may impact gene splicing. In the absence of RNA/functional studies, the actual effect of this sequence change is unknown.

Dept Of Ophthalmology, Nagoya University
Classification: Uncertain significance for Retinal dystrophy. Last evaluated: 2023-10-01. Review status: criteria provided, single submitter. Criteria: Submitter's publication. Collection method: research. Allele origin: germline. Affected: yes.

NM_206933.4(USH2A):c.5629G>T (p.Ala1877Ser)

Genes: USH2A (usherin; minus strand), USH2A-AS2 (USH2A antisense RNA 2; plus strand). Cytogenetic location: 1q41.
Variant type: single nucleotide variant.
Coding change: c.5629G>T on transcript NM_206933.4 (MANE Select); coding-DNA position 5629, G replaced by T.
Protein change: p.Ala1877Ser; replaces alanine 1877 with serine.
Molecular consequence: missense variant.
Genome position (GRCh38, 1-based): chr1:216,073,244, C>A on the plus strand (G>T on the coding strand, the complement: USH2A is on the minus strand). VCF-style: chr1-216073244-C-A. GRCh37 (hg19) VCF-style: chr1-216246586-C-A.
Other names: c.5629G>T (NM_206933.2); short protein forms A1877S.
Identifiers: ClinVar variation 3028719 (VCV003028719.2), dbSNP rs1405365787, ClinGen allele CA344854740.